The following is an entry in ClinVar:

ClinVar aggregate classification (germline): Pathogenic (1 of 4 stars; one submission).

Conditions:
Cardiovascular phenotype. Identifiers: MedGen CN230736.

Allele frequency attached by ClinVar (database versions not stated): gnomAD exomes below 0.00001; ExAC 0.00001.
gnomAD v4.1: 1 of 1,613,156 alleles (0.000062%); highest among the groups gnomAD compares: Non-Finnish European, 0.000085%; no homozygotes.

Submission:

Ambry Genetics
Classification: Pathogenic for Cardiovascular phenotype. Last evaluated: 2015-02-18. Review status: criteria provided, single submitter. Criteria: Ambry Variant Classification Scheme 2023. Collection method: clinical testing. Allele origin: germline.
Comment: The p.Y361* pathogenic mutation (also known as c.1083C>A) located in coding exon 7 of the ACVRL1 gene, results from a C to A substitution at nucleotide position 1083. This changes the amino acid from a tyrosine to a stop codon within coding exon 7. Since premature stop codons are typically deleterious in nature, this alteration is interpreted as a disease-causing mutation (ACMG Recommendations for Standards for Interpretation and Reporting of Sequence Variations. Revision 2007. Genet Med. 2008;10:294).

NM_000020.3(ACVRL1):c.1083C>A (p.Tyr361Ter)

Gene: ACVRL1 (activin A receptor like type 1; plus strand). Cytogenetic location: 12q13.13.
Variant type: single nucleotide variant.
Coding change: c.1083C>A on transcript NM_000020.3 (MANE Select); coding-DNA position 1083, C replaced by A.
Protein change: p.Tyr361Ter; replaces tyrosine 361 with a stop codon.
Molecular consequence: nonsense.
Genome position (GRCh38, 1-based): chr12:51,916,070, C>A. VCF-style: chr12-51916070-C-A. GRCh37 (hg19) VCF-style: chr12-52309854-C-A.
Other names: c.1083C>A, p.Tyr361Ter (NM_001077401.2, NM_001406487.1, NM_001406488.1 and 1 more transcripts); c.771C>A, p.Tyr257Ter (NM_001406490.1, NM_001406491.1, NM_001406492.1 and 1 more transcripts); c.519C>A, p.Tyr173Ter (NM_001406495.1); short protein forms Y257*, Y173*, Y361*.
Identifiers: ClinVar variation 1786942 (VCV001786942.2), dbSNP rs763899082, ClinGen allele CA6573062.